The following is an entry in ClinVar:

NM_152419.3(HGSNAT):c.619_621delinsGG (p.Arg207fs)

Gene: HGSNAT (heparan-alpha-glucosaminide N-acetyltransferase; plus strand). Cytogenetic location: 8p11.21.
Variant type: Indel.
Coding change: c.619_621delinsGG on transcript NM_152419.3 (MANE Select); coding-DNA positions 619 to 621, CGC replaced by GG.
Protein change: p.Arg207fs; shifts the reading frame from arginine 207.
Molecular consequence: frameshift variant. On other transcripts: 5 prime UTR variant (1).
Genome position (GRCh38, 1-based): chr8:43,169,228-43,169,230, CGC replaced by GG. VCF-style: chr8-43169228-CGC-GG. GRCh37 (hg19) VCF-style: chr8-43024371-CGC-GG.
Other names: c.619_621delinsGG, p.Arg207fs (NM_001363227.2, NM_001363228.2); c.-215_-213delinsGG (NM_001363229.2); short protein forms R207fs.
Identifiers: ClinVar variation 3777075 (VCV003777075.1).

ClinVar aggregate classification (germline): Pathogenic (1 of 4 stars; one submission).

Conditions:
Mucopolysaccharidosis, MPS-III-C (MPS3C). Also called: SANFILIPPO SYNDROME C; MPS III C; Mucopolysaccharidosis type IIIC (Sanfilippo C); mucopolysaccharidosis type 3C; MUCOPOLYSACCHARIDOSIS, TYPE IIIC; MPS IIIC (Sanfilippo Syndrome Type C). Identifiers: Orphanet 581, Orphanet 79271, MedGen C0086649, MONDO:0009657, OMIM 252930.

Submission:

University of Washington Department of Laboratory Medicine, University of Washington
Classification: Pathogenic for Mucopolysaccharidosis, MPS-III-C. Last evaluated: 2023-04-26. Review status: criteria provided, single submitter. Criteria: ACMG Guidelines, 2015. Collection method: clinical testing. Allele origin: unknown. Affected: yes.
Comment: The p.Arg207Glyfs*69 variant results in a 3bp deletion and 2bp insertion in exon 6 of 18 exons, which causes a shift in the protein reading frame, leading to a premature termination codon 69 amino acids downstream. Nonsense-mediated decay resulting in a truncated or absent protein is predicted with this variant. These predictions have not been tested directly. Using ACMG guidelines, this variant was classified as pathogenic for autosomal recessive mucopolysaccharidosis type III (ACMG evidence codes used: PVS1, PM2_supporting, PM3_supporting).